The following is an entry in ClinVar:

NM_001458.5(FLNC):c.3752G>A (p.Ser1251Asn)

Gene: FLNC (filamin C; plus strand). Cytogenetic location: 7q32.1.
Variant type: single nucleotide variant.
Coding change: c.3752G>A on transcript NM_001458.5 (MANE Select); coding-DNA position 3752, G replaced by A.
Protein change: p.Ser1251Asn; replaces serine 1251 with asparagine.
Molecular consequence: missense variant.
Genome position (GRCh38, 1-based): chr7:128,845,217, G>A. VCF-style: chr7-128845217-G-A. GRCh37 (hg19) VCF-style: chr7-128485271-G-A.
Other names: c.3752G>A, p.Ser1251Asn (NM_001127487.2); short protein forms S1251N.
Identifiers: ClinVar variation 4812746 (VCV004812746.1).

ClinVar aggregate classification (germline): Uncertain significance (1 of 4 stars; one submission).

Conditions:
Hypertrophic cardiomyopathy 26. Also called: Cardiomyopathy, familial hypertrophic, 26. Identifiers: Orphanet 75249, MedGen C4310749, MONDO:0014883, OMIM 617047.
Myofibrillar myopathy 5. Also called: Filaminopathy (type); FILAMINOPATHY, AUTOSOMAL DOMINANT. Identifiers: Orphanet 171445, MedGen C1836050, MONDO:0012289, OMIM 609524.
Distal myopathy with posterior leg and anterior hand involvement. Also called: WILLIAMS DISTAL MYOPATHY. Identifiers: Orphanet 63273, MedGen C3279722, MONDO:0013550, OMIM 614065.

gnomAD v4.1: 3 of 1,613,744 alleles (0.00019%); highest among the groups gnomAD compares: Middle Eastern, 0.016%; no homozygotes.

Submission:

Labcorp Genetics (formerly Invitae), Labcorp
Classification: Uncertain significance for Distal myopathy with posterior leg and anterior hand involvement; Myofibrillar myopathy 5; Hypertrophic cardiomyopathy 26. Last evaluated: 2025-02-26. Review status: criteria provided, single submitter. Criteria: Invitae Variant Classification Sherloc (09022015). Collection method: clinical testing. Allele origin: germline.
Comment: This sequence change replaces serine, which is neutral and polar, with asparagine, which is neutral and polar, at codon 1251 of the FLNC protein (p.Ser1251Asn). This variant is not present in population databases (gnomAD no frequency). This variant has not been reported in the literature in individuals affected with FLNC-related conditions. Invitae Evidence Modeling of protein sequence and biophysical properties (such as structural, functional, and spatial information, amino acid conservation, physicochemical variation, residue mobility, and thermodynamic stability) has been performed for this missense variant. However, the output from this modeling did not meet the statistical confidence thresholds required to predict the impact of this variant on FLNC protein function. In summary, the available evidence is currently insufficient to determine the role of this variant in disease. Therefore, it has been classified as a Variant of Uncertain Significance.